The following is an entry in ClinVar:

ClinVar aggregate classification (germline): Likely benign (1 of 4 stars; one submission).

Allele frequency attached by ClinVar (database versions not stated): 1000 Genomes Project 0.00040; 1000 Genomes Project 30x 0.00047; TOPMed 0.00052; gnomAD 0.00146.
gnomAD v4.1: 218 of 152,274 alleles (0.14%); highest among the groups gnomAD compares: Non-Finnish European, 0.22%; 2 homozygotes.

Submission:

CeGaT Center for Human Genetics Tuebingen
Classification: Likely benign. Last evaluated: 2026-03-01. Review status: criteria provided, single submitter. Criteria: CeGaT Center For Human Genetics Tuebingen Variant Classification Criteria Version 2. Collection method: clinical testing. Allele origin: germline. Affected: yes. Observed: 5 variant alleles.
Comment: FGFR2: BS1

NM_000141.5(FGFR2):c.2301+1319C>T

Gene: FGFR2 (fibroblast growth factor receptor 2; minus strand). Cytogenetic location: 10q26.13.
Variant type: single nucleotide variant.
Coding change: c.2301+1319C>T on transcript NM_000141.5 (MANE Select); 1319 bases into the intron after coding-DNA position 2301, C replaced by T.
Molecular consequence: intron variant.
Genome position (GRCh38, 1-based): chr10:121,482,379, G>A on the plus strand (C>T on the coding strand, the complement: FGFR2 is on the minus strand). VCF-style: chr10-121482379-G-A. GRCh37 (hg19) VCF-style: chr10-123241893-G-A.
Other names: c.1965+1319C>T (NM_001144914.1); c.1950+1319C>T (NM_001144918.2, NM_001441091.1); c.1956+1319C>T (NM_001441090.1, NM_001144916.2); c.2028+1319C>T (NM_001441089.1); c.2034+1319C>T (NM_023029.3, NM_001144915.2); c.2031+1319C>T (NM_001441088.1); c.1953+1319C>T (NM_001144917.2); c.2295+1319C>T (NM_001320658.2); and 5 more.
Identifiers: ClinVar variation 2640890 (VCV002640890.24), dbSNP rs532330234, ClinGen allele CA214952828.
Genomic context (GRCh38, chr10:121,482,379, plus strand): 5'-GTCAGCTGTATTCATTTAAGTGCAATCTCTTCCTTTATCCAGCACAGGCCACAGTCAGAC[G>A]CATAAGATAAAGCTGCTGAGCTAAGACTTCATATCACTACATTTGATTATTACTTTTTAA-3'